The following is an entry in ClinVar:

NM_024301.5(FKRP):c.545A>G (p.Tyr182Cys)

Gene: FKRP (fukutin related protein; plus strand). Cytogenetic location: 19q13.32.
Variant type: single nucleotide variant.
Coding change: c.545A>G on transcript NM_024301.5 (MANE Select); coding-DNA position 545, A replaced by G.
Protein change: p.Tyr182Cys; replaces tyrosine 182 with cysteine.
Molecular consequence: missense variant.
Genome position (GRCh38, 1-based): chr19:46,755,995, A>G. VCF-style: chr19-46755995-A-G. GRCh37 (hg19) VCF-style: chr19-47259252-A-G.
Other names: c.545A>G, p.Tyr182Cys (NM_001039885.3); short protein forms Y182C.
Identifiers: ClinVar variation 282247 (VCV000282247.29), dbSNP rs543163491, ClinGen allele CA9532164.

ClinVar aggregate classification (germline): Pathogenic. Review status: criteria provided, multiple submitters, no conflicts (2 of 4 stars). 11 submissions from 11 submitters: Pathogenic (10). 1 of the submissions does not count toward it. Last evaluated 2026-01-24.

Conditions:
Walker-Warburg congenital muscular dystrophy. Also called: Muscular dystrophy-dystroglycanopathy, type A; Walker-Warburg syndrome. Identifiers: Orphanet 899, MedGen C0265221, MONDO:0000171.
Cardiovascular phenotype. Identifiers: MedGen CN230736.
Muscular dystrophy-dystroglycanopathy type B5 (MDDGB5). Also called: MUSCULAR DYSTROPHY, CONGENITAL, 1C; MUSCULAR DYSTROPHY, CONGENITAL, FKRP-RELATED; MUSCULAR DYSTROPHY-DYSTROGLYCANOPATHY (CONGENITAL WITH OR WITHOUT IMPAIRED INTELLECTUAL DEVELOPMENT), TYPE B, 5. Identifiers: MedGen C1847759, MONDO:0011688, OMIM 606612.
Autosomal recessive limb-girdle muscular dystrophy type 2I. Also called: MUSCULAR DYSTROPHY, LIMB-GIRDLE, TYPE 2I; MUSCULAR DYSTROPHY-DYSTROGLYCANOPATHY (LIMB-GIRDLE), TYPE C, 5; MUSCULAR DYSTROPHY-DYSTROGLYCANOPATHY, LIMB-GIRDLE, FRKP-RELATED. Identifiers: Orphanet 34515, MedGen C1846672, MONDO:0011787, OMIM 607155.
Muscular dystrophy-dystroglycanopathy (congenital with brain and eye anomalies), type A5. Also called: MUSCULAR DYSTROPHY-DYSTROGLYCANOPATHY (CONGENITAL WITH BRAIN AND EYE ANOMALIES), TYPE A, 5; WALKER-WARBURG SYNDROME OR MUSCLE-EYE-BRAIN DISEASE, FKRP-RELATED. Identifiers: Orphanet 588, Orphanet 899, MedGen C3150413, MONDO:0013157, OMIM 613153.

Allele frequency attached by ClinVar (database versions not stated): ExAC 0.00014; 1000 Genomes Project 30x 0.00047; gnomAD 0.00005 and 0.00004; 1000 Genomes Project 0.00060; TOPMed 0.00002.
gnomAD v4.1: 27 of 1,547,724 alleles (0.0017%); highest among the groups gnomAD compares: East Asian, 0.051%; no homozygotes.

Submissions (11):

Labcorp Genetics (formerly Invitae), Labcorp
Classification: Pathogenic for Walker-Warburg congenital muscular dystrophy. Last evaluated: 2026-01-24. Review status: criteria provided, single submitter. Criteria: Invitae Variant Classification Sherloc (09022015). Collection method: clinical testing. Allele origin: germline.
Comment: This sequence change replaces tyrosine, which is neutral and polar, with cysteine, which is neutral and slightly polar, at codon 182 of the FKRP protein (p.Tyr182Cys). This variant is present in population databases (rs543163491, gnomAD 0.1%). This missense change has been observed in individual(s) with autosomal recessive limb girdle muscular dystrophy (LGMD) (PMID: 28931339). In at least one individual the data is consistent with being in trans (on the opposite chromosome) from a pathogenic variant. It has also been observed to segregate with disease in related individuals. ClinVar contains an entry for this variant (Variation ID: 282247). Invitae Evidence Modeling of protein sequence and biophysical properties (such as structural, functional, and spatial information, amino acid conservation, physicochemical variation, residue mobility, and thermodynamic stability) indicates that this missense variant is expected to disrupt FKRP protein function with a positive predictive value of 95%. For these reasons, this variant has been classified as Pathogenic.

Natera, Inc.
Classification: Pathogenic for Limb-girdle muscular dystrophy type 2I. Last evaluated: 2025-02-07. Review status: criteria provided, single submitter. Criteria: Natera Variant Classification Schema (03/2026). Collection method: clinical testing. Allele origin: germline.
Comment: The c.545A>G variant in FKRP is a missense variant predicted to cause substitution of tyrosine to cysteine at amino acid 182. This variant is rare in the general population with a frequency below the threshold expected for the associated phenotype(s). This variant has been observed in one or more individuals affected with the associated recessive disease, as either homozygous or compound heterozygous with a second variant (PMID: 34509255, 30003095). Computational prediction algorithms indicate this variant is likely to affect gene or protein function. Given the available evidence, this variant is classified as Pathogenic.

Ambry Genetics
Classification: Pathogenic for Cardiovascular phenotype. Last evaluated: 2024-11-27. Review status: criteria provided, single submitter. Criteria: Ambry Variant Classification Scheme 2023. Collection method: clinical testing. Allele origin: germline.
Comment: The p.Y182C pathogenic mutation (also known as c.545A>G), located in coding exon 1 of the FKRP gene, results from an A to G substitution at nucleotide position 545. The tyrosine at codon 182 is replaced by cysteine, an amino acid with highly dissimilar properties. This variant has been identified in the homozygous state and/or in conjunction with other FKRP variant(s) in individual(s) with features consistent with FKRP-related dystroglycanopathies; in at least one instance, the variants were identified in trans (de Paula F et al. Eur J Hum Genet, 2003 Dec;11:923-30; Wahbi K et al. Neuromuscul Disord, 2008 Aug;18:650-5; Liang WC et al. Neuromuscul Disord, 2013 Aug;23:675-81; Dai Y et al. Neuromuscul Disord, 2015 Aug;25:617-24; Fu X et al. J Hum Genet, 2016 Dec;61:1013-1020; Wang L et al. Orphanet J Rare Dis, 2018 Aug;13:133; Awano H et al. J Clin Neurosci, 2021 Oct;92:215-221; Song D et al. Clin Genet, 2021 Mar;99:384-395; Xie Z et al. Biomed Res Int, 2018 May;2018:3710814). Other variant(s) at the same codon, p.Y182H (c.544T>C), have been identified in individual(s) with features consistent with FKRP-related dystroglycanopathies (Sframeli M et al. Neuromuscul Disord, 2017 Sep;27:793-803). This amino acid position is highly conserved in available vertebrate species. In addition, this alteration is predicted to be deleterious by in silico analysis. Based on the supporting evidence, this variant is interpreted as a disease-causing mutation.

Mayo Clinic Laboratories, Mayo Clinic
Classification: Pathogenic. Last evaluated: 2024-07-22. Review status: criteria provided, single submitter. Criteria: ACMG Guidelines, 2015. Collection method: clinical testing. Allele origin: germline. Observed: 1 variant allele.
Comment: PP3, PM2, PM3_very_strong, PS4

Fulgent Genetics
Classification: Pathogenic for Muscular dystrophy-dystroglycanopathy type B5; Autosomal recessive limb-girdle muscular dystrophy type 2I; Muscular dystrophy-dystroglycanopathy (congenital with brain and eye anomalies), type A5. Last evaluated: 2024-04-15. Review status: criteria provided, single submitter. Criteria: ACMG Guidelines, 2015. Collection method: clinical testing. Allele origin: germline.

Baylor Genetics
Classification: Pathogenic for Muscular dystrophy-dystroglycanopathy (congenital with brain and eye anomalies), type A5. Last evaluated: 2024-03-20. Review status: criteria provided, single submitter. Criteria: ACMG Guidelines, 2015. Collection method: clinical testing. Allele origin: unknown.

3billion
Classification: Pathogenic for Autosomal recessive limb-girdle muscular dystrophy type 2I. Last evaluated: 2023-09-27. Review status: criteria provided, single submitter. Criteria: ACMG Guidelines, 2015. Collection method: clinical testing. Allele origin: germline. Affected: yes.
Comment: The variant is observed at an extremely low frequency in the gnomAD v2.1.1 dataset (total allele frequency: 0.010%). Predicted Consequence/Location: Missense variant In silico tool predictions suggest a damaging effect of the variant on gene or gene product [REVEL: 0.84 (>=0.6, sensitivity 0.68 and specificity 0.92)]. The same nucleotide change resulting in the same amino acid change has been previously reported as pathogenic/likely pathogenic with strong evidence (ClinVar ID: VCV000282247 /PMID: 14647208 /3billion dataset). The variant has been previously reported as assumed (i.e. paternity and maternity not confirmed) de novo in at least one similarly affected unrelated individual (3billion dataset). A different missense change at the same codon (p.Tyr182His) has been reported as pathogenic/likely pathogenic with strong evidence (ClinVar ID: VCV000285433 /PMID: 28688748). Therefore, this variant is classified as Pathogenic according to the recommendation of ACMG/AMP guideline.

Revvity Omics, Revvity
Classification: Pathogenic. Last evaluated: 2023-03-02. Review status: criteria provided, single submitter. Criteria: ACMG Guidelines, 2015. Collection method: clinical testing. Allele origin: germline.

Eurofins Ntd Llc (ga)
Classification: Pathogenic. Last evaluated: 2016-10-07. Review status: criteria provided, single submitter. Criteria: EGL Classification Definitions 2015. Collection method: clinical testing. Allele origin: germline. Observed: 3 variant alleles, 3 heterozygotes.

Juno Genomics, Hangzhou Juno Genomics, Inc
Classification: Pathogenic for Muscular dystrophy-dystroglycanopathy type B5; Muscular dystrophy-dystroglycanopathy (congenital with brain and eye anomalies), type A5; Autosomal recessive limb-girdle muscular dystrophy type 2I. Review status: criteria provided, single submitter. Criteria: ACMG Guidelines, 2015. Collection method: clinical testing. Allele origin: germline. Affected: yes.
Comment: For recessive disorders, detected in trans with a pathogenic variant.;Co-segregation with disease in multiple affected family members.;Patient's phenotype or family history is highly specific for a disease with a single genetic etiology.;Multiple lines of computational evidence support a deleterious effect on the gene or gene product.

Counsyl
Classification: Pathogenic for Autosomal recessive limb-girdle muscular dystrophy type 2I. Last evaluated: 2018-08-07. Review status: no assertion criteria provided. Collection method: clinical testing. Allele origin: unknown. Not counted in ClinVar's aggregate classification.

Literature cited by the submitters: PubMed 28931339 (cited by Labcorp Genetics (formerly Invitae), Labcorp and Mayo Clinic Laboratories, Mayo Clinic); PubMed 34509255 (cited by 3 submitters); PubMed 30003095 (cited by 3 submitters); PubMed 14647208 (cited by 5 submitters); PubMed 18639457 (cited by 3 submitters); PubMed 23800702 (cited by 4 submitters); PubMed 25987458 (cited by Ambry Genetics and Counsyl); PubMed 27439679 (cited by 3 submitters); PubMed 30107846 (cited by Ambry Genetics and Mayo Clinic Laboratories, Mayo Clinic); PubMed 33200426 (cited by Ambry Genetics); PubMed 31268217 (cited by Mayo Clinic Laboratories, Mayo Clinic); PubMed 32576226 (cited by Mayo Clinic Laboratories, Mayo Clinic); PubMed 28688748 (cited by 3billion).